The following is an entry in ClinVar:

ClinVar aggregate classification (germline): Likely benign (1 of 4 stars; one submission).

Allele frequency attached by ClinVar (database versions not stated): gnomAD 0.01199 and 0.01285; TOPMed 0.01339; 1000 Genomes Project 0.01398; 1000 Genomes Project 30x 0.01577.
gnomAD v4.1: 1,807 of 152,338 alleles (1.2%); highest among the groups gnomAD compares: African/African-American, 4%; 41 homozygotes.

Submission:

GeneDx
Classification: Likely benign. Last evaluated: 2018-06-16. Review status: criteria provided, single submitter. Criteria: GeneDx Variant Classification (06012015). Collection method: clinical testing. Allele origin: germline. Affected: yes.
Comment: This variant is considered likely benign or benign based on one or more of the following criteria: it is a conservative change, it occurs at a poorly conserved position in the protein, it is predicted to be benign by multiple in silico algorithms, and/or has population frequency not consistent with disease.

NM_022114.4(PRDM16):c.38-169C>A

Gene: PRDM16 (PR/SET domain 16; plus strand). Cytogenetic location: 1p36.32.
Variant type: single nucleotide variant.
Coding change: c.38-169C>A on transcript NM_022114.4 (MANE Select); 169 bases into the intron before coding-DNA position 38, C replaced by A.
Molecular consequence: intron variant.
Genome position (GRCh38, 1-based): chr1:3,185,956, C>A. VCF-style: chr1-3185956-C-A. GRCh37 (hg19) VCF-style: chr1-3102520-C-A.
Other names: c.38-169C>A (NM_199454.3).
Identifiers: ClinVar variation 679886 (VCV000679886.1), dbSNP rs74050163, ClinGen allele CA17293962.